The following is an entry in ClinVar:

NM_033026.6(PCLO):c.7201A>T (p.Ile2401Leu)

Gene: PCLO (piccolo presynaptic cytomatrix protein; minus strand). Cytogenetic location: 7q21.11.
Variant type: single nucleotide variant.
Coding change: c.7201A>T on transcript NM_033026.6 (MANE Select); coding-DNA position 7201, A replaced by T.
Protein change: p.Ile2401Leu; replaces isoleucine 2401 with leucine.
Molecular consequence: missense variant.
Genome position (GRCh38, 1-based): chr7:82,953,752, T>A on the plus strand (A>T on the coding strand, the complement: PCLO is on the minus strand). VCF-style: chr7-82953752-T-A. GRCh37 (hg19) VCF-style: chr7-82583068-T-A.
Other names: c.7201A>T, p.Ile2401Leu (NM_014510.3); short protein forms I2401L.
Identifiers: ClinVar variation 4627090 (VCV004627090.2).

ClinVar aggregate classification (germline): Uncertain significance. Review status: criteria provided, multiple submitters, no conflicts (2 of 4 stars). 2 submissions from 2 submitters: Uncertain significance (2). Last evaluated 2025-09-28.

Conditions:
PCLO-related disorder. Also called: PCLO-related condition.
Inborn genetic diseases. Identifiers: MedGen C0950123, MeSH D030342.

gnomAD v4.1: 40 of 1,545,524 alleles (0.0026%); highest among the groups gnomAD compares: Non-Finnish European, 0.0034%; no homozygotes.

Submissions (2):

Ambry Genetics
Classification: Uncertain significance for Inborn genetic diseases. Last evaluated: 2025-09-28. Review status: criteria provided, single submitter. Criteria: Ambry Variant Classification Scheme 2023. Collection method: clinical testing. Allele origin: germline.

PreventionGenetics, part of Exact Sciences
Classification: Uncertain significance for PCLO-related condition. Last evaluated: 2025-07-18. Review status: criteria provided, single submitter. Criteria: ACMG Guidelines, 2015. Collection method: clinical testing. Allele origin: germline.
Comment: The PCLO c.7201A>T variant is predicted to result in the amino acid substitution p.Ile2401Leu. To our knowledge, this variant has not been reported in the literature. This variant is reported in 0.0084% of alleles in individuals of European (Non-Finnish) descent in gnomAD. At this time, the clinical significance of this variant is uncertain due to the absence of conclusive functional and genetic evidence.